The following is an entry in ClinVar:

NM_015443.4(KANSL1):c.1487T>C (p.Leu496Pro)

Gene: KANSL1 (KAT8 regulatory NSL complex subunit 1). Cytogenetic location: 17q21.31.
Variant type: single nucleotide variant.
Coding change: c.1487T>C on transcript NM_015443.4 (MANE Select); coding-DNA position 1487, T replaced by C.
Protein change: p.Leu496Pro; replaces leucine 496 with proline.
Molecular consequence: missense variant. On other transcripts: intron variant (4).
Genome position (GRCh38, 1-based): chr17:46,082,487, A>G on the plus strand (T>C on the coding strand, the complement: KANSL1 is on the minus strand). VCF-style: chr17-46082487-A-G. GRCh37 (hg19) VCF-style: chr17-44159853-A-G.
Other names: c.1487T>C, p.Leu496Pro (NM_001193465.2, NM_001193466.2, NM_001379198.1 and 14 more transcripts); c.221T>C, p.Leu74Pro (NM_001405882.1, NM_001405883.1, NM_001405884.1 and 1 more transcripts); c.1431+12073T>C (NM_001405881.1, NM_001405861.1, NM_001405859.1 and 1 more transcripts); short protein forms L496P, L74P.
Identifiers: ClinVar variation 4744790 (VCV004744790.1).
Genomic context (GRCh38, chr17:46,082,487, plus strand): 5'-TCTTTTATACTTACCAATTTATCAGTCCCATGATCTGTCTTCACCTCAGAACTAAGTGGA[A>G]GAAATAAGTCTGTTGTATGCTCTGGGGGAGGTACCTCCCCAAGAACTATCAACCCCTGCA-3'
Protein context (NP_056258.1, residues 486-506): PPPEHTTDLF[Leu496Pro]PLSSEVKTDH

ClinVar aggregate classification (germline): Uncertain significance (1 of 4 stars; one submission).

Conditions:
Koolen-de Vries syndrome (KDVS). Identifiers: Orphanet 96169, MedGen C1864871, MONDO:0012496, OMIM 610443.

gnomAD v4.1: 1 of 1,612,666 alleles (0.000062%); highest among the groups gnomAD compares: Non-Finnish European, 0.000085%; no homozygotes.

Submission:

Labcorp Genetics (formerly Invitae), Labcorp
Classification: Uncertain significance for Koolen-de Vries syndrome. Last evaluated: 2026-01-28. Review status: criteria provided, single submitter. Criteria: Invitae Variant Classification Sherloc (09022015). Collection method: clinical testing. Allele origin: germline.
Comment: This sequence change replaces leucine, which is neutral and non-polar, with proline, which is neutral and non-polar, at codon 496 of the KANSL1 protein (p.Leu496Pro). This variant is not present in population databases (gnomAD no frequency). This variant has not been reported in the literature in individuals affected with KANSL1-related conditions. Invitae Evidence Modeling of protein sequence and biophysical properties (such as structural, functional, and spatial information, amino acid conservation, physicochemical variation, residue mobility, and thermodynamic stability) indicates that this missense variant is not expected to disrupt KANSL1 protein function with a negative predictive value of 80%. In summary, the available evidence is currently insufficient to determine the role of this variant in disease. Therefore, it has been classified as a Variant of Uncertain Significance.